The following is an entry in ClinVar:

ClinVar aggregate classification (germline): Likely pathogenic (0 of 4 stars; one submission).

Conditions:
Keratosis follicularis (DAR). Also called: Darier disease; Darier's disease. Identifiers: Orphanet 218, MedGen C0022595, MONDO:0007417, OMIM 124200.

Submission:

Medical Genetics Unit, Mauro Baschirotto Institute for Rare Disease
Classification: Likely pathogenic for Keratosis follicularis. Last evaluated: 2024-06-07. Review status: no assertion criteria provided. Collection method: provider interpretation. Allele origin: germline. Affected: yes. Observed: 1 variant allele.
Comment: The c.1858G>T (p.Val620Phe) variant has not been published as a pathogenic variant, nor has it been reported as a benign variant to our knowledge. As far as we know, this variant has not been reported in the literature or in a large population database, indicating this variant is rare. Missense variants in this gene are a common cause of disease and they are underrepresented in the general population. This substitution occurs in P-domain at a position that is conserved across species. This novel missense variant was predicted as probably damaging by Polyphen2, deleterious by PROVEAN, damaging by FATHMM, probably damaging by PSEP, and is predicted to affect protein function by SIFT. This substitution occurs at a position that is conserved across species. Therefore, this variant is classified likely pathogenic.

NM_170665.4(ATP2A2):c.1858G>T (p.Val620Phe)

Genes: ATP2A2 (ATPase sarcoplasmic/endoplasmic reticulum Ca2+ transporting 2; plus strand), LOC126861637 (MED14-independent group 3 enhancer GRCh37_chr12:110778306-110779505; plus strand). Cytogenetic location: 12q24.11.
Variant type: single nucleotide variant.
Coding change: c.1858G>T on transcript NM_170665.4 (MANE Select); coding-DNA position 1858, G replaced by T.
Protein change: p.Val620Phe; replaces valine 620 with phenylalanine.
Molecular consequence: missense variant.
Genome position (GRCh38, 1-based): chr12:110,340,755, G>T. VCF-style: chr12-110340755-G-T. GRCh37 (hg19) VCF-style: chr12-110778560-G-T.
Other names: c.1753G>T, p.Val585Phe (NM_001413013.1); c.1858G>T, p.Val620Phe (NM_001413014.1, NM_001681.4); c.1483G>T, p.Val495Phe (NM_001413015.1); short protein forms V495F, V585F, V620F.
Identifiers: ClinVar variation 3359249 (VCV003359249.2).
Genomic context (GRCh38, chr12:110,340,755, plus strand): 5'-GATCCTCCGAGAATCGAGGTGGCCTCCTCCGTGAAGCTGTGCCGGCAAGCAGGCATCCGG[G>T]TCATCATGATCACTGGGGACAACAAGGGCACTGCTGTGGCCATCTGTCGCCGCATCGGCA-3'
Protein context (NP_733765.1, residues 610-630): VKLCRQAGIR[Val620Phe]IMITGDNKGT